The following is an entry in ClinVar:

NM_007294.4(BRCA1):c.705_4185+4del

Genes: BRCA1 (BRCA1 DNA repair associated; minus strand), LOC126862571 (BRD4-independent group 4 enhancer GRCh37_chr17:41243136-41244335; plus strand). Cytogenetic location: 17q21.31.
Variant type: Deletion.
Coding change: c.705_4185+4del on transcript NM_007294.4 (MANE Select); coding-DNA position 705 through 4 bases into the intron after coding-DNA position 4185, 3,887 bases deleted.
Molecular consequence: splice acceptor variant, splice donor variant. On other transcripts: initiator codon variant (2).
Genome position (GRCh38, 1-based): chr17:43,090,940-43,094,826, 3,887 bases deleted. GRCh37 (hg19): chr17:41,242,959-41,246,845.
Other names: c.564_735+4del (NM_001408458.1, NM_001408469.1, NM_001408453.1 and 11 more transcripts); c.-184_3297+4del (NM_001407967.1, NM_001407966.1); c.324_3804+4del (NM_001407959.1, NM_001407963.1, NM_001407960.1); c.438_3918+4del (NM_001407931.1, NM_001407932.1, NM_001407934.1 and 2 more transcripts); c.561_4041+4del (NM_001407747.1, NM_001407848.1, NM_001407839.1 and 20 more transcripts); c.321_3801+4del (NM_001407962.1); c.201_372+4del (NM_001408512.1); c.324_495+4del (NM_001408510.1); and 41 more.
Identifiers: ClinVar variation 1049707 (VCV001049707.3), ClinGen allele CA2499224437.

ClinVar aggregate classification (germline): Pathogenic (0 of 4 stars; one submission).

Submission:

Department of Pathology and Laboratory Medicine, Sinai Health System
Classification: Pathogenic. Review status: no assertion criteria provided. Collection method: clinical testing. Allele origin: unknown. Affected: yes. Study: The Canadian Open Genetics Repository (COGR).
Comment: The BRCA1 c.302-?_4185+?del variant (chr:17 g.41242961_41256278del GRCh37) results in a deletion of exons 7 through 12, although the precise breakpoints of this deletion were not determined, nor were the effects of this variant on the resulting mRNA or protein product determined. The BRCA1 p.Tyr101Serfs*8 variant was not identified in the literature nor was it identified in the dbSNP, ClinVar, LOVD 3.0, or UMD-LSDB databases; or the following control databases: Exome Aggregation Consortium (August 8th 2016) or the Genome Aggregation Database (Feb 27, 2017). The c.302-?_4185+?del variant is predicted to cause a frameshift, which alters the protein's amino acid sequence beginning at codon 101 and leads to a premature stop codon at position 108. This alteration is then predicted to result in a truncated or absent protein and loss of function. Loss of function variants of the BRCA1 gene are an established mechanism of disease in hereditary breast and ovarian cancer and is the type of variant expected to cause the disorder. In summary, based on the above information, this variant meets our laboratoryâ€šÃ„Ã´s criteria to be classified as pathogenic.